The following is an entry in ClinVar:

NM_000529.2(MC2R):c.*2323C>T

Gene: MC2R (melanocortin 2 receptor; minus strand). Cytogenetic location: 18p11.21.
Variant type: single nucleotide variant.
Coding change: c.*2323C>T on transcript NM_000529.2 (MANE Select); 2323 bases downstream of the stop codon, C replaced by T.
Molecular consequence: 3 prime UTR variant.
Genome position (GRCh38, 1-based): chr18:13,882,302, G>A on the plus strand (C>T on the coding strand, the complement: MC2R is on the minus strand). VCF-style: chr18-13882302-G-A. GRCh37 (hg19) VCF-style: chr18-13882301-G-A.
Other names: c.*2323C>T (NM_001291911.1).
Identifiers: ClinVar variation 326127 (VCV000326127.5), dbSNP rs149107575, ClinGen allele CA10647194.

ClinVar aggregate classification (germline): Likely benign (1 of 4 stars; one submission).

Conditions:
Glucocorticoid deficiency 1 (GCCD1). Also called: FAMILIAL GLUCOCORTICOID DEFICIENCY 1; Adrenal unresponsiveness to acth; Glucocorticoid deficiency, due to ACTH unresponsiveness. Identifiers: Orphanet 361, MedGen C4049650, MONDO:0024536, OMIM 202200.

Allele frequency attached by ClinVar (database versions not stated): TOPMed 0.00020; gnomAD 0.00021 and 0.00023; 1000 Genomes Project 30x 0.00047; 1000 Genomes Project 0.00060.

Submission:

Illumina Laboratory Services, Illumina
Classification: Likely benign for Glucocorticoid deficiency 1. Last evaluated: 2018-01-12. Review status: criteria provided, single submitter. Criteria: ICSL Variant Classification Criteria 13 December 2019. Collection method: clinical testing. Allele origin: germline.
Comment: This variant was observed in the ICSL laboratory as part of a predisposition screen in an ostensibly healthy population. It had not been previously curated by ICSL or reported in the Human Gene Mutation Database (HGMD: prior to June 1st, 2018), and was therefore a candidate for classification through an automated scoring system. Utilizing variant allele frequency, disease prevalence and penetrance estimates, and inheritance mode, an automated score was calculated to assess if this variant is too frequent to cause the disease. Based on the score and internal cut-off values, a variant classified as likely benign is not then subjected to further curation. The score for this variant resulted in a classification of likely benign for this disease.